The following is an entry in ClinVar:

NM_173630.4(RTTN):c.458A>G (p.Gln153Arg)

Gene: RTTN (rotatin; minus strand). Cytogenetic location: 18q22.2.
Variant type: single nucleotide variant.
Coding change: c.458A>G on transcript NM_173630.4 (MANE Select); coding-DNA position 458, A replaced by G.
Protein change: p.Gln153Arg; replaces glutamine 153 with arginine.
Molecular consequence: missense variant. On other transcripts: 5 prime UTR variant (1).
Genome position (GRCh38, 1-based): chr18:70,201,923, T>C on the plus strand (A>G on the coding strand, the complement: RTTN is on the minus strand). VCF-style: chr18-70201923-T-C. GRCh37 (hg19) VCF-style: chr18-67869159-T-C.
Other names: c.-2096A>G (NM_001318520.2); short protein forms Q153R.
Identifiers: ClinVar variation 1923223 (VCV001923223.5), dbSNP rs960974153, ClinGen allele CA301964228.

ClinVar aggregate classification (germline): Uncertain significance (1 of 4 stars; one submission).

Allele frequency attached by ClinVar (database versions not stated): gnomAD exomes 0.00001; TOPMed 0.00001.
gnomAD v4.1: 10 of 1,612,402 alleles (0.00062%); highest among the groups gnomAD compares: Non-Finnish European, 0.00085%; no homozygotes.

Submission:

Labcorp Genetics (formerly Invitae), Labcorp
Classification: Uncertain significance. Last evaluated: 2024-10-23. Review status: criteria provided, single submitter. Criteria: Invitae Variant Classification Sherloc (09022015). Collection method: clinical testing. Allele origin: germline.
Comment: This sequence change replaces glutamine, which is neutral and polar, with arginine, which is basic and polar, at codon 153 of the RTTN protein (p.Gln153Arg). This variant is present in population databases (no rsID available, gnomAD 0.0009%). This variant has not been reported in the literature in individuals affected with RTTN-related conditions. ClinVar contains an entry for this variant (Variation ID: 1923223). Invitae Evidence Modeling of protein sequence and biophysical properties (such as structural, functional, and spatial information, amino acid conservation, physicochemical variation, residue mobility, and thermodynamic stability) indicates that this missense variant is not expected to disrupt RTTN protein function with a negative predictive value of 80%. In summary, the available evidence is currently insufficient to determine the role of this variant in disease. Therefore, it has been classified as a Variant of Uncertain Significance.